The following is an entry in ClinVar:

ClinVar aggregate classification (germline): Uncertain significance (1 of 4 stars; one submission).

Submission:

Labcorp Genetics (formerly Invitae), Labcorp
Classification: Uncertain significance. Last evaluated: 2022-10-28. Review status: criteria provided, single submitter. Criteria: Invitae Variant Classification Sherloc (09022015). Collection method: clinical testing. Allele origin: germline.
Comment: This sequence change replaces aspartic acid, which is acidic and polar, with histidine, which is basic and polar, at codon 203 of the PITPNM3 protein (p.Asp203His). This variant is not present in population databases (gnomAD no frequency). This variant has not been reported in the literature in individuals affected with PITPNM3-related conditions. Algorithms developed to predict the effect of missense changes on protein structure and function (SIFT, PolyPhen-2, Align-GVGD) all suggest that this variant is likely to be disruptive. In summary, the available evidence is currently insufficient to determine the role of this variant in disease. Therefore, it has been classified as a Variant of Uncertain Significance.

NM_031220.4(PITPNM3):c.607G>C (p.Asp203His)

Gene: PITPNM3 (PITPNM family member 3; minus strand). Cytogenetic location: 17p13.2.
Variant type: single nucleotide variant.
Coding change: c.607G>C on transcript NM_031220.4 (MANE Select); coding-DNA position 607, G replaced by C.
Protein change: p.Asp203His; replaces aspartic acid 203 with histidine.
Molecular consequence: missense variant.
Genome position (GRCh38, 1-based): chr17:6,478,717, C>G on the plus strand (G>C on the coding strand, the complement: PITPNM3 is on the minus strand). VCF-style: chr17-6478717-C-G. GRCh37 (hg19) VCF-style: chr17-6382037-C-G.
Other names: c.499G>C, p.Asp167His (NM_001165966.2); short protein forms D203H, D167H.
Identifiers: ClinVar variation 2998883 (VCV002998883.3), dbSNP rs1051225595, ClinGen allele CA287320669.